The following is an entry in ClinVar:

NM_001292063.2(OTOG):c.4403C>A (p.Thr1468Asn)

Gene: OTOG (otogelin; plus strand). Cytogenetic location: 11p15.1.
Variant type: single nucleotide variant.
Coding change: c.4403C>A on transcript NM_001292063.2 (MANE Select); coding-DNA position 4403, C replaced by A.
Protein change: p.Thr1468Asn; replaces threonine 1468 with asparagine.
Molecular consequence: missense variant.
Genome position (GRCh38, 1-based): chr11:17,609,703, C>A. VCF-style: chr11-17609703-C-A. GRCh37 (hg19) VCF-style: chr11-17631250-C-A.
Other names: c.4439C>A, p.Thr1480Asn (NM_001277269.2); short protein forms T1468N, T1480N.
Identifiers: ClinVar variation 1481703 (VCV001481703.6), dbSNP rs575174022, ClinGen allele CA379795481.

ClinVar aggregate classification (germline): Uncertain significance (1 of 4 stars; one submission).

gnomAD v4.1: 1 of 1,525,038 alleles (0.000066%); no homozygotes.

Submission:

Labcorp Genetics (formerly Invitae), Labcorp
Classification: Uncertain significance. Last evaluated: 2022-07-19. Review status: criteria provided, single submitter. Criteria: Invitae Variant Classification Sherloc (09022015). Collection method: clinical testing. Allele origin: germline.
Comment: In summary, the available evidence is currently insufficient to determine the role of this variant in disease. Therefore, it has been classified as a Variant of Uncertain Significance. Algorithms developed to predict the effect of missense changes on protein structure and function are either unavailable or do not agree on the potential impact of this missense change (SIFT: "Deleterious"; PolyPhen-2: "Possibly Damaging"; Align-GVGD: "Class C0"). ClinVar contains an entry for this variant (Variation ID: 1481703). This variant has not been reported in the literature in individuals affected with OTOG-related conditions. This variant is not present in population databases (gnomAD no frequency). This sequence change replaces threonine, which is neutral and polar, with asparagine, which is neutral and polar, at codon 1480 of the OTOG protein (p.Thr1480Asn).